The following is an entry in ClinVar:

NM_007294.4(BRCA1):c.419G>T (p.Ser140Ile)

Gene: BRCA1 (BRCA1 DNA repair associated; minus strand). Cytogenetic location: 17q21.31.
Variant type: single nucleotide variant.
Coding change: c.419G>T on transcript NM_007294.4 (MANE Select); coding-DNA position 419, G replaced by T.
Protein change: p.Ser140Ile; replaces serine 140 with isoleucine.
Molecular consequence: missense variant. On other transcripts: intron variant (2).
Genome position (GRCh38, 1-based): chr17:43,104,144, C>A on the plus strand (G>T on the coding strand, the complement: BRCA1 is on the minus strand). VCF-style: chr17-43104144-C-A. GRCh37 (hg19) VCF-style: chr17-41256161-C-A.
Other names: c.278G>T, p.Ser93Ile (NM_001407945.1, NM_001407735.1, NM_001407736.1 and 99 more transcripts); c.209G>T, p.Ser70Ile (NM_001407946.1, NM_001407947.1, NM_001407948.1 and 58 more transcripts); c.419G>T, p.Ser140Ile (NM_001407854.1, NM_001407858.1, NM_001407859.1 and 164 more transcripts); c.410G>T, p.Ser137Ile (NM_001407646.1, NM_001407647.1, NM_001408408.1); c.341G>T, p.Ser114Ile (NM_001407662.1, NM_001407663.1, NM_001408409.1 and 21 more transcripts); c.38G>T, p.Ser13Ile (NM_001407959.1, NM_001407960.1, NM_001407962.1 and 4 more transcripts); c.287G>T, p.Ser96Ile (NM_001408451.1); c.-218-9284G>T (NM_001407967.1, NM_001407966.1); short protein forms S114I, S137I, S13I, S140I, S70I, S93I, S96I.
Identifiers: ClinVar variation 4867739 (VCV004867739.1).

ClinVar aggregate classification (germline): Uncertain significance (1 of 4 stars; one submission).

Conditions:
Hereditary cancer-predisposing syndrome. Also called: Neoplastic Syndromes, Hereditary; Tumor predisposition; Hereditary Cancer Syndrome; Hereditary neoplastic syndrome. Identifiers: Orphanet 140162, MedGen C0027672, MeSH D009386, MONDO:0015356.

Submission:

Ambry Genetics
Classification: Uncertain significance for Hereditary cancer-predisposing syndrome. Last evaluated: 2026-05-26. Review status: criteria provided, single submitter. Criteria: Ambry Variant Classification Scheme 2023. Collection method: clinical testing. Allele origin: germline.
Comment: The p.S140I variant (also known as c.419G>T), located in coding exon 5 of the BRCA1 gene, results from a G to T substitution at nucleotide position 419. The serine at codon 140 is replaced by isoleucine, an amino acid with dissimilar properties. This amino acid position is not well conserved in available vertebrate species. In addition, the in silico prediction for this alteration is inconclusive. Based on the available evidence, the clinical significance of this variant remains unclear.